The following is an entry in ClinVar:

NM_001267550.2(TTN):c.20905T>A (p.Cys6969Ser)

Genes: TTN (titin; minus strand), LOC126806428 (BRD4-independent group 4 enhancer GRCh37_chr2:179588362-179589561; plus strand). Cytogenetic location: 2q31.2.
Variant type: single nucleotide variant.
Coding change: c.20905T>A on transcript NM_001267550.2 (MANE Select); coding-DNA position 20905, T replaced by A.
Protein change: p.Cys6969Ser; replaces cysteine 6969 with serine.
Molecular consequence: missense variant. On other transcripts: intron variant (3).
Genome position (GRCh38, 1-based): chr2:178,724,470, A>T on the plus strand (T>A on the coding strand, the complement: TTN is on the minus strand). VCF-style: chr2-178724470-A-T. GRCh37 (hg19) VCF-style: chr2-179589197-A-T.
Other names: c.19954T>A, p.Cys6652Ser (NM_001256850.1); c.17173T>A, p.Cys5725Ser (NM_133378.4); c.13282+13612T>A (NM_003319.4); c.13858+13612T>A (NM_133437.4); c.13657+13612T>A (NM_133432.3); short protein forms C5725S, C6652S, C6969S.
Identifiers: ClinVar variation 1329120 (VCV001329120.3), dbSNP rs368762020, ClinGen allele CA2001113.
Genomic context (GRCh38, chr2:178,724,470, plus strand): 5'-TCAACAGCTTTCCATCCTTGTACCATTCAACAGAGAGTTCCGGAGTGCCAGCCACCTTAC[A>T]CTCCAGAGTGCACGTTTCTCCTACAGTCACCGTCATCGGTCCTGCCTTCTCAACAATGAC-3'
Protein context (NP_001254479.2, residues 6959-6979): VTVGETCTLE[Cys6969Ser]KVAGTPELSV

ClinVar aggregate classification (germline): Uncertain significance. Review status: criteria provided, multiple submitters, no conflicts (2 of 4 stars). 2 submissions from 2 submitters: Uncertain significance (2). Last evaluated 2023-11-13.

Conditions:
Cardiomyopathy (CMYO). Also called: Cardiomyopathies. Identifiers: Orphanet 167848, MedGen C0878544, MONDO:0004994, HP:0001638. Inheritance: Various modes of inheritance.

Allele frequency attached by ClinVar (database versions not stated): ESP Exome Variant Server 0.00008.
gnomAD v4.1: 6 of 1,612,734 alleles (0.00037%); highest among the groups gnomAD compares: African/African-American, 0.008%; no homozygotes.

Submissions (2):

Women's Health and Genetics/Laboratory Corporation of America, LabCorp
Classification: Uncertain significance. Last evaluated: 2023-11-13. Review status: criteria provided, single submitter. Criteria: LabCorp Variant Classification Summary - May 2015. Collection method: clinical testing. Allele origin: germline.
Comment: Variant summary: TTN c.17173T>A (p.Cys5725Ser) results in a non-conservative amino acid change located in the I-band region of the encoded protein sequence. Two of three in-silico tools predict a damaging effect of the variant on protein function. The variant allele was found at a frequency of 4e-06 in 248278 control chromosomes (gnomAD). The available data on variant occurrences in the general population are insufficient to allow any conclusion about variant significance. To our knowledge, no occurrence of c.17173T>A in individuals affected with Limb-Girdle Muscular Dystrophy, Type 2J or Cardiomyopathy and no experimental evidence demonstrating its impact on protein function have been reported. One submitter has cited a clinical-significance assessment for this variant to ClinVar after 2014 and has classified the variant as uncertain significance. Based on the evidence outlined above, the variant was classified as uncertain significance.

CHEO Genetics Diagnostic Laboratory, Children's Hospital of Eastern Ontario
Classification: Uncertain significance for Cardiomyopathy. Last evaluated: 2020-12-09. Review status: criteria provided, single submitter. Criteria: ACMG Guidelines, 2015. Collection method: clinical testing. Allele origin: germline.